The following is an entry in ClinVar:

ClinVar aggregate classification (germline): Likely pathogenic (1 of 4 stars; one submission).

Submission:

GeneDx
Classification: Likely pathogenic. Last evaluated: 2017-10-25. Review status: criteria provided, single submitter. Criteria: GeneDx Variant Classification (06012015). Collection method: clinical testing. Allele origin: germline. Affected: yes.
Comment: The c.2724dupT variant in the LAMB1 gene has not been reported previously as a pathogenic variant nor as a benign variant, to our knowledge. The c.2724dupT variant causes a frameshift starting with codon Glycine 909, changes this amino acid to a Tryptophan residue, and creates a premature Stop codon at position 39 of the new reading frame, denoted p.Gly909TrpfsX39. This variant is predicted to cause loss of normal protein function either through protein truncation or nonsense-mediated mRNA decay. The c.2724dupT variant is not observed in large population cohorts (Lek et al., 2016). We interpret c.2724dupT as a likely pathogenic variant.

NM_002291.3(LAMB1):c.2724dup (p.Gly909fs)

Gene: LAMB1 (laminin subunit beta 1; minus strand). Cytogenetic location: 7q31.1.
Variant type: Duplication.
Coding change: c.2724dup on transcript NM_002291.3 (MANE Select); coding-DNA position 2724, one base duplicated (T; older notation c.2724dupT).
Protein change: p.Gly909fs; shifts the reading frame from glycine 909.
Molecular consequence: frameshift variant.
Genome position (GRCh38, 1-based): chr7:107,955,597, A duplicated on the plus strand (T on the coding strand, the reverse complement: LAMB1 is on the minus strand); the first of 2 consecutive A bases (chr7:107,955,597-107,955,598); duplicating either gives the same sequence. VCF-style (leftmost placement, unchanged base first): chr7-107955596-C-CA. GRCh37 (hg19) VCF-style: chr7-107596041-C-CA.
Other names: short protein forms G909fs.
Identifiers: ClinVar variation 418980 (VCV000418980.2), dbSNP rs1554406255, ClinGen allele CA16618347.
Genomic context (GRCh38, chr7:107,955,596, plus strand): 5'-ACTGGCGTCCACTGTCGGGACCATCTGGGCAAGGGCAAGGGCGGCAGTGATCTCCTGACC[C>CA]AATGATGGGGTCGCCATAGTAACCAGCCAAGCACCTGCATCAGTCACAGAAGAGAACAGG-3'